The following is an entry in ClinVar:

ClinVar aggregate classification (germline): Pathogenic (1 of 4 stars; one submission).

Conditions:
DICER1-related tumor predisposition. Also called: DICER1-related pleuropulmonary blastoma cancer predisposition syndrome; DICER1 syndrome. Identifiers: Orphanet 284343, MedGen C3839822, MONDO:0100216.

Submission:

Labcorp Genetics (formerly Invitae), Labcorp
Classification: Pathogenic for DICER1-related tumor predisposition. Last evaluated: 2018-11-27. Review status: criteria provided, single submitter. Criteria: Invitae Variant Classification Sherloc (09022015). Collection method: clinical testing. Allele origin: germline.
Comment: For these reasons, this variant has been classified as Pathogenic. Loss-of-function variants in DICER1 are known to be pathogenic (PMID: 19556464, 21266384). This variant has not been reported in the literature in individuals with DICER1-related conditions. This variant is not present in population databases (ExAC no frequency). This sequence change creates a premature translational stop signal (p.Ser1304Lysfs*3) in the DICER1 gene. It is expected to result in an absent or disrupted protein product.

Literature cited by the submitters: PubMed 19556464; PubMed 21266384.

NM_177438.3(DICER1):c.3909_3910del (p.Ser1304fs)

Gene: DICER1 (dicer 1, ribonuclease III; minus strand). Cytogenetic location: 14q32.13.
Variant type: Deletion.
Coding change: c.3909_3910del on transcript NM_177438.3 (MANE Select); coding-DNA positions 3909 to 3910, 2 bases deleted (GT; older notation c.3909_3910delGT).
Protein change: p.Ser1304fs; shifts the reading frame from serine 1304.
Molecular consequence: frameshift variant.
Genome position (GRCh38, 1-based): chr14:95,103,486-95,103,487, AC deleted on the plus strand (GT on the coding strand, the reverse complement: DICER1 is on the minus strand); deleting any 2 consecutive bases within chr14:95,103,486-95,103,488 gives the same sequence; the c. name uses the placement nearest the transcript's 3' end. VCF-style (leftmost placement, unchanged base first): chr14-95103485-GAC-G. GRCh37 (hg19) VCF-style: chr14-95569822-GAC-G.
Other names: c.3909_3910delGT (NM_177438.2); c.3909_3910del, p.Ser1304fs (NM_001195573.1, NM_001271282.3, NM_001291628.2 and 1 more transcripts); short protein forms S1304fs.
Identifiers: ClinVar variation 652078 (VCV000652078.8), dbSNP rs1595364159, ClinGen allele CA915946369.